The following is an entry in ClinVar:

ClinVar aggregate classification (germline): Pathogenic (1 of 4 stars; one submission).

Conditions:
Cardiovascular phenotype. Identifiers: MedGen CN230736.

Submission:

Ambry Genetics
Classification: Pathogenic for Cardiovascular phenotype. Last evaluated: 2022-01-11. Review status: criteria provided, single submitter. Criteria: Ambry Variant Classification Scheme 2023. Collection method: clinical testing. Allele origin: germline.
Comment: The c.6279delC pathogenic mutation, located in coding exon 38 of the FLNC gene, results from a deletion of one nucleotide at nucleotide position 6279, causing a translational frameshift with a predicted alternate stop codon (p.D2093Efs*34). This variant is considered to be rare based on population cohorts in the Genome Aggregation Database (gnomAD). In addition, this alteration is expected to result in loss of function by premature protein truncation or nonsense-mediated mRNA decay. As such, this alteration is interpreted as a disease-causing mutation.

NM_001458.5(FLNC):c.6279del (p.Asp2093fs)

Genes: FLNC (filamin C; plus strand), FLNC-AS1 (FLNC antisense RNA 1; minus strand). Cytogenetic location: 7q32.1.
Variant type: Deletion.
Coding change: c.6279del on transcript NM_001458.5 (MANE Select); coding-DNA position 6279, one base deleted (C; older notation c.6279delC).
Protein change: p.Asp2093fs; shifts the reading frame from aspartic acid 2093.
Molecular consequence: frameshift variant.
Genome position (GRCh38, 1-based): chr7:128,853,539, C deleted. VCF-style (leftmost placement, unchanged base first): chr7-128853538-AC-A. GRCh37 (hg19) VCF-style: chr7-128493592-AC-A.
Other names: c.6180del, p.Asp2060fs (NM_001127487.2); short protein forms D2060fs, D2093fs.
Identifiers: ClinVar variation 1752569 (VCV001752569.2), dbSNP rs2536662140, ClinGen allele CA2580076678.